The following is an entry in ClinVar:

NM_032603.5(LOXL3):c.501G>C (p.Glu167Asp)

Genes: DOK1 (docking protein 1; plus strand), LOXL3 (lysyl oxidase like 3; minus strand). Cytogenetic location: 2p13.1.
Variant type: single nucleotide variant.
Coding change: c.501G>C on transcript NM_032603.5 (MANE Select); coding-DNA position 501, G replaced by C.
Protein change: p.Glu167Asp; replaces glutamic acid 167 with aspartic acid.
Molecular consequence: missense variant. On other transcripts: intron variant (2).
Genome position (GRCh38, 1-based): chr2:74,549,560, C>G on the plus strand (G>C on the coding strand, the complement: LOXL3 is on the minus strand). VCF-style: chr2-74549560-C-G. GRCh37 (hg19) VCF-style: chr2-74776687-C-G.
Other names: c.477+625G>C (NM_001289164.3); c.-358+388C>G (NM_001197260.2); short protein forms E167D.
Identifiers: ClinVar variation 1364577 (VCV001364577.5), dbSNP rs934234883, ClinGen allele CA50501085.

ClinVar aggregate classification (germline): Uncertain significance (1 of 4 stars; one submission).

Allele frequency attached by ClinVar (database versions not stated): gnomAD 0.00004; TOPMed 0.00004; gnomAD exomes below 0.00001.
gnomAD v4.1: 11 of 1,610,768 alleles (0.00068%); highest among the groups gnomAD compares: Middle Eastern, 0.016%; no homozygotes.

Submission:

Labcorp Genetics (formerly Invitae), Labcorp
Classification: Uncertain significance. Last evaluated: 2021-11-30. Review status: criteria provided, single submitter. Criteria: Invitae Variant Classification Sherloc (09022015). Collection method: clinical testing. Allele origin: germline.
Comment: In summary, the available evidence is currently insufficient to determine the role of this variant in disease. Therefore, it has been classified as a Variant of Uncertain Significance. Algorithms developed to predict the effect of missense changes on protein structure and function (SIFT, PolyPhen-2, Align-GVGD) all suggest that this variant is likely to be disruptive. This variant has not been reported in the literature in individuals affected with LOXL3-related conditions. This variant is present in population databases (no rsID available, gnomAD 0.003%). This sequence change replaces glutamic acid, which is acidic and polar, with aspartic acid, which is acidic and polar, at codon 167 of the LOXL3 protein (p.Glu167Asp).